The following is an entry in ClinVar:

ClinVar aggregate classification (germline): Uncertain significance (1 of 4 stars; one submission).

Conditions:
Saldino-Mainzer syndrome (SRTD9). Also called: CONORENAL SYNDROME; Renal dysplasia, retinal pigmentary dystrophy, cerebellar ataxia and skeletal dysplasia; SHORT-RIB THORACIC DYSPLASIA 9 WITHOUT POLYDACTYLY; short-rib thoracic dysplasia 9 with or without polydactyly. Identifiers: Orphanet 140969, MedGen C1849437, MONDO:0009964, OMIM 266920.

Submission:

Labcorp Genetics (formerly Invitae), Labcorp
Classification: Uncertain significance for Saldino-Mainzer syndrome. Last evaluated: 2024-10-17. Review status: criteria provided, single submitter. Criteria: Invitae Variant Classification Sherloc (09022015). Collection method: clinical testing. Allele origin: germline.
Comment: This sequence change replaces glutamic acid, which is acidic and polar, with lysine, which is basic and polar, at codon 1365 of the IFT140 protein (p.Glu1365Lys). This variant is not present in population databases (gnomAD no frequency). This variant has not been reported in the literature in individuals affected with IFT140-related conditions. ClinVar contains an entry for this variant (Variation ID: 2111966). Invitae Evidence Modeling of protein sequence and biophysical properties (such as structural, functional, and spatial information, amino acid conservation, physicochemical variation, residue mobility, and thermodynamic stability) indicates that this missense variant is not expected to disrupt IFT140 protein function with a negative predictive value of 95%. In summary, the available evidence is currently insufficient to determine the role of this variant in disease. Therefore, it has been classified as a Variant of Uncertain Significance.

NM_014714.4(IFT140):c.4093G>A (p.Glu1365Lys)

Gene: IFT140 (intraflagellar transport 140; minus strand). Cytogenetic location: 16p13.3.
Variant type: single nucleotide variant.
Coding change: c.4093G>A on transcript NM_014714.4 (MANE Select); coding-DNA position 4093, G replaced by A.
Protein change: p.Glu1365Lys; replaces glutamic acid 1365 with lysine.
Molecular consequence: missense variant.
Genome position (GRCh38, 1-based): chr16:1,518,305, C>T on the plus strand (G>A on the coding strand, the complement: IFT140 is on the minus strand). VCF-style: chr16-1518305-C-T. GRCh37 (hg19) VCF-style: chr16-1568306-C-T.
Other names: short protein forms E1365K.
Identifiers: ClinVar variation 2111966 (VCV002111966.4), dbSNP rs2040423778, ClinGen allele CA394223736.
Genomic context (GRCh38, chr16:1,518,305, plus strand): 5'-GCTCCACCAGGAAGCCATAGACGTCCCCGATGCGGATGGTGCTGTCCAGGTCTGGTTCCT[C>T]CAGGAGCAGCTCACACTGCTTGATGGACTCCTTGGGGTCCTCTGTGTACGTCCTGCCGAG-3'
Protein context (NP_055529.2, residues 1355-1375): ESIKQCELLL[Glu1365Lys]EPDLDSTIRI